The following is an entry in ClinVar:

NM_004329.3(BMPR1A):c.431-1G>C

Gene: BMPR1A (bone morphogenetic protein receptor type 1A; plus strand). Cytogenetic location: 10q23.2.
Variant type: single nucleotide variant.
Coding change: c.431-1G>C on transcript NM_004329.3 (MANE Select); the canonical splice acceptor site of the intron before coding-DNA position 431, G replaced by C.
Molecular consequence: splice acceptor variant. On other transcripts: intron variant (1).
Genome position (GRCh38, 1-based): chr10:86,900,026, G>C. VCF-style: chr10-86900026-G-C. GRCh37 (hg19) VCF-style: chr10-88659783-G-C.
Other names: c.431-1G>C (NM_001406583.1, NM_001406562.1, NM_001406568.1 and 22 more transcripts); c.333+7797G>C (NM_001406589.1); c.347-1G>C (NM_001406588.1, NM_001406587.1, NM_001406585.1 and 2 more transcripts).
Identifiers: ClinVar variation 2583227 (VCV002583227.4), dbSNP rs2539493292, ClinGen allele CA377450027.

ClinVar aggregate classification (germline): Likely pathogenic. Review status: criteria provided, multiple submitters, no conflicts (2 of 4 stars). 2 submissions from 2 submitters: Likely pathogenic (2). Last evaluated 2024-03-27.

Conditions:
Juvenile polyposis syndrome (JPS). Identifiers: Orphanet 2929, MedGen C0345893, MONDO:0017380, OMIM 174900.

Submissions (2):

Labcorp Genetics (formerly Invitae), Labcorp
Classification: Likely pathogenic for Juvenile polyposis syndrome. Last evaluated: 2024-03-27. Review status: criteria provided, single submitter. Criteria: Invitae Variant Classification Sherloc (09022015). Collection method: clinical testing. Allele origin: germline.
Comment: This sequence change affects an acceptor splice site in intron 6 of the BMPR1A gene. It is expected to disrupt RNA splicing. Variants that disrupt the donor or acceptor splice site typically lead to a loss of protein function (PMID: 16199547), and loss-of-function variants in BMPR1A are known to be pathogenic (PMID: 11536076, 12417513). This variant is not present in population databases (gnomAD no frequency). Disruption of this splice site has been observed in individual(s) with juvenile polyposis syndrome (PMID: 16436638). ClinVar contains an entry for this variant (Variation ID: 2583227). Algorithms developed to predict the effect of sequence changes on RNA splicing suggest that this variant may disrupt the consensus splice site. In summary, the currently available evidence indicates that the variant is pathogenic, but additional data are needed to prove that conclusively. Therefore, this variant has been classified as Likely Pathogenic.

Myriad Genetics, Inc.
Classification: Likely pathogenic for Juvenile polyposis syndrome. Last evaluated: 2023-05-26. Review status: criteria provided, single submitter. Criteria: Myriad Autosomal Dominant, Autosomal Recessive and X-Linked Classification Criteria (2023). Collection method: clinical testing. Allele origin: unknown.
Comment: This variant is considered likely pathogenic. This variant occurs within a consensus splice junction and is predicted to result in abnormal mRNA splicing of either an out-of-frame exon or an in-frame exon necessary for protein stability and/or normal function.

Literature cited by the submitters: PubMed 16199547 (cited by Labcorp Genetics (formerly Invitae), Labcorp); PubMed 11536076 (cited by Labcorp Genetics (formerly Invitae), Labcorp); PubMed 12417513 (cited by Labcorp Genetics (formerly Invitae), Labcorp); PubMed 16436638 (cited by Labcorp Genetics (formerly Invitae), Labcorp).